The following continues an entry in ClinVar:

NM_021625.5(TRPV4):c.1781G>A (p.Arg594His)

Gene: TRPV4. ClinVar aggregate classification (germline): Pathogenic/Likely pathogenic. Pathogenic (15); Likely pathogenic (1).

Submissions 9 to 21 of 21:

Laboratory of Medical Genetics, National & Kapodistrian University of Athens
Classification: Pathogenic for Spondylometaphyseal dysplasia, Kozlowski type. Last evaluated: 2021-08-10. Review status: criteria provided, single submitter. Criteria: ACMG Guidelines, 2015. Collection method: clinical testing. Allele origin: unknown. Affected: yes.
Comment: PM1, PM2, PP2, PP3, PP5

CENTOGENE GmbH and LLC - Guiding Precision Medicine
Classification: Pathogenic for Spondylometaphyseal dysplasia, Kozlowski type. Last evaluated: 2021-08-02. Review status: criteria provided, single submitter. Criteria: ACMG Guidelines, 2015. Collection method: clinical testing. Allele origin: germline. Affected: yes.

Laboratorio de Genetica e Diagnostico Molecular, Hospital Israelita Albert Einstein
Classification: Likely pathogenic for Spinal Muscular Atrophy Distal Congenital Nonprogressive. Last evaluated: 2021-06-30. Review status: criteria provided, single submitter. Criteria: ACMG Guidelines, 2015. Collection method: clinical testing. Allele origin: germline. Affected: yes.
Comment: ACMG classification criteria: PS3 supporting, PS4 strong, PM2 moderate, PP3 supporting

Cambridge Genomics Laboratory, East Genomic Laboratory Hub, NHS Genomic Medicine Service
Classification: Pathogenic for Multiple epiphyseal dysplasia. Last evaluated: 2020-01-18. Review status: criteria provided, single submitter. Criteria: ACGS Best Practice Guidelines for Variant Classification in Rare Disease 2020. Collection method: clinical testing. Allele origin: germline. Affected: yes. Observed: 1 variant allele.

CeGaT Center for Human Genetics Tuebingen
Classification: Pathogenic. Last evaluated: 2019-08-01. Review status: criteria provided, single submitter. Criteria: CeGaT Center For Human Genetics Tuebingen Variant Classification Criteria Version 2. Collection method: clinical testing. Allele origin: germline. Affected: yes. Observed: 1 variant allele.

Molecular Diagnostics Lab, Nemours Children's Health, Delaware
Classification: Pathogenic. Last evaluated: 2016-05-27. Review status: criteria provided, single submitter. Criteria: ACMG Guidelines, 2015. Collection method: clinical testing. Allele origin: unknown. Affected: yes. Observed: 1 heterozygote.

Clinical Biomedical Laboratory, Shriners Hospital For Children - Canada
Classification: Pathogenic for Spondylometaphyseal dysplasia, Kozlowski type. Review status: criteria provided, single submitter. Criteria: ACMG Guidelines, 2015. Collection method: clinical testing. Allele origin: germline. Affected: yes.
Comment: This variant is predicted to substitute an arginine residue by a histidine residue in TRPV4. This variant is absent in the Genome Aggregation Database (gnomAD v2.1.1), indicating it is very rare. Computational tools (REVEL: 0.89) suggest that the amino acid change is damaging to protein function. This variant has been reported as a cause of spondylometaphyseal dysplasia, Kozlowski type, in more than 10 publications (e.g. PMID 28687525). Based on the ACMG variant interpretation guidelines (criteria PS3, PM2, PM5, PP3), the available evidence supports classification of this variant as pathogenic.

Kasturba Medical College, Manipal, Kasturba Medical College, Manipal, Manipal Academy of Higher Education, Manipal, India
Classification: Pathogenic for Spondylometaphyseal dysplasia, Kozlowski type. Review status: criteria provided, single submitter. Criteria: ACMG Guidelines, 2015. Collection method: clinical testing. Allele origin: de novo. Affected: yes.

Biochemical Molecular Genetic Laboratory, King Abdulaziz Medical City
Classification: Pathogenic for Spondylometaphyseal dysplasia, Kozlowski type. Last evaluated: 2020-05-06. Review status: no assertion criteria provided. Collection method: clinical testing. Allele origin: germline. Affected: yes. Not counted in ClinVar's aggregate classification.

OMIM
Classification: Pathogenic for SPONDYLOMETAPHYSEAL DYSPLASIA, KOZLOWSKI TYPE. Last evaluated: 2010-10-01. Review status: no assertion criteria provided. Collection method: literature only. Allele origin: germline. Not counted in ClinVar's aggregate classification.

OMIM
Classification: Pathogenic for PARASTREMMATIC DWARFISM. Last evaluated: 2010-10-01. Review status: no assertion criteria provided. Collection method: literature only. Allele origin: germline. Not counted in ClinVar's aggregate classification.

OMIM
Classification: Pathogenic for METATROPIC DYSPLASIA. Last evaluated: 2010-10-01. Review status: no assertion criteria provided. Collection method: literature only. Allele origin: germline. Not counted in ClinVar's aggregate classification.

GeneReviews
No classification provided. Condition: Neuromuscular disease; Skeletal dysplasia. Review status: no classification provided. Collection method: literature only. Allele origin: germline. Affected: yes. Not counted in ClinVar's aggregate classification.

Literature cited by the submitters: PubMed 24644033 (cited by OLLIN Analises Genomicas, OLLIN); PubMed 21573172 (cited by OLLIN Analises Genomicas, OLLIN and Labcorp Genetics (formerly Invitae), Labcorp); PubMed 19232556 (cited by 6 submitters); PubMed 20503319 (cited by 4 submitters); PubMed 20577006 (cited by 5 submitters); PubMed 21658220 (cited by 3 submitters); PubMed 28687525 (cited by Division of Genetic & Genomic Pathology, Hong Kong Children's Hospital and Ambry Genetics); PubMed 26377240 (cited by Ambry Genetics); PubMed 29776788 (cited by Ambry Genetics); PubMed 32381727 (cited by Ambry Genetics); PubMed 34008892 (cited by Laboratory of Medical Genetics, National & Kapodistrian University of Athens); DOI 10.1016/j.ajhg.2009.01.021 (cited by Kasturba Medical College, Manipal, Kasturba Medical College, Manipal, Manipal Academy of Higher Education, Manipal, India); PubMed 17879966 (cited by OMIM); NCBI Bookshelf NBK201366 (cited by GeneReviews).